The following is an entry in ClinVar:

NM_001164508.2(NEB):c.6343_6344dup (p.Ala2117fs)

Gene: NEB (nebulin; minus strand). Cytogenetic location: 2q23.3.
Variant type: Microsatellite.
Coding change: c.6343_6344dup on transcript NM_001164508.2 (MANE Select); coding-DNA positions 6343 to 6344, 2 bases duplicated (AC; older notation c.6343_6344dupAC).
Protein change: p.Ala2117fs; shifts the reading frame from alanine 2117.
Molecular consequence: frameshift variant.
Genome position (GRCh38, 1-based): chr2:151,656,304-151,656,305, GT duplicated on the plus strand (AC on the coding strand, the reverse complement: NEB is on the minus strand); duplicating any 2 consecutive bases within chr2:151,656,304-151,656,308 gives the same sequence; the c. name uses the placement nearest the transcript's 3' end. VCF-style (leftmost placement, unchanged base first): chr2-151656303-G-GGT. GRCh37 (hg19) VCF-style: chr2-152512817-G-GGT.
Other names: c.6343_6344dup, p.Ala2117fs (NM_001164507.2, NM_001271208.2, NM_004543.5); c.6343_6344dupAC (NM_001271208.1); short protein forms A2117fs.
Identifiers: ClinVar variation 640888 (VCV000640888.7), dbSNP rs1575295628, ClinGen allele CA915941761.
Genomic context (GRCh38, chr2:151,656,303, plus strand): 5'-AGTGTTGGTGATGTTGGCTTGGGCATCCTTTGCAGCCGTGACACTGAGCATGTCGGCAGG[G>GGT]GTGTGGTAGCTGGTCTTTGTGTTCTCATAGTTTTTCTTGTACTCCCGATCAGATTGCATC-3'

ClinVar aggregate classification (germline): Pathogenic/Likely pathogenic. Review status: criteria provided, multiple submitters, no conflicts (2 of 4 stars). 2 submissions from 2 submitters: Pathogenic (1); Likely pathogenic (1). Last evaluated 2024-05-07.

Conditions:
Nemaline myopathy 2 (NEM2). Also called: Nemaline myopathy 2, autosomal recessive. Identifiers: MedGen C1850569, MONDO:0009725, OMIM 256030.

Submissions (2):

Natera, Inc.
Classification: Likely pathogenic for Nemaline myopathy type 2. Last evaluated: 2024-05-07. Review status: criteria provided, single submitter. Criteria: Natera Variant Classification Schema (03/2026). Collection method: clinical testing. Allele origin: germline.
Comment: The c.6343_6344dupAC variant in NEB is a frameshift variant predicted to shift the reading frame beginning at codon 2117 and leads to a stop codon 25 codons downstream. This variant is expected to result in nonsense mediated decay, truncation, or a dysfunctional protein product. This variant is rare in the general population with a frequency below the threshold expected for the associated phenotype(s). Given the available evidence, this variant is classified as Likely Pathogenic.

Labcorp Genetics (formerly Invitae), Labcorp
Classification: Pathogenic for Nemaline myopathy 2. Last evaluated: 2024-02-12. Review status: criteria provided, single submitter. Criteria: Invitae Variant Classification Sherloc (09022015). Collection method: clinical testing. Allele origin: germline.
Comment: This sequence change creates a premature translational stop signal (p.Ala2117Leufs*25) in the NEB gene. It is expected to result in an absent or disrupted protein product. Loss-of-function variants in NEB are known to be pathogenic (PMID: 25205138). This variant is not present in population databases (gnomAD no frequency). This variant has not been reported in the literature in individuals affected with NEB-related conditions. ClinVar contains an entry for this variant (Variation ID: 640888). For these reasons, this variant has been classified as Pathogenic.

Literature cited by the submitters: PubMed 25205138 (cited by Labcorp Genetics (formerly Invitae), Labcorp).